The following is an entry in ClinVar:

NM_152424.4(AMER1):c.769G>T (p.Asp257Tyr)

Gene: AMER1 (APC membrane recruitment protein 1; minus strand). Cytogenetic location: Xq11.2.
Variant type: single nucleotide variant.
Coding change: c.769G>T on transcript NM_152424.4 (MANE Select); coding-DNA position 769, G replaced by T.
Protein change: p.Asp257Tyr; replaces aspartic acid 257 with tyrosine.
Molecular consequence: missense variant.
Genome position (GRCh38, 1-based): chrX:64,192,518, C>A on the plus strand (G>T on the coding strand, the complement: AMER1 is on the minus strand). VCF-style: chrX-64192518-C-A. GRCh37 (hg19) VCF-style: chrX-63412398-C-A.
Other names: short protein forms D257Y.
Identifiers: ClinVar variation 3362002 (VCV003362002.1).

ClinVar aggregate classification (germline): Uncertain significance (1 of 4 stars; one submission).

Submission:

GeneDx
Classification: Uncertain significance. Last evaluated: 2023-05-24. Review status: criteria provided, single submitter. Criteria: GeneDx Variant Classification Process June 2021. Collection method: clinical testing. Allele origin: germline. Affected: yes.
Comment: Not observed at significant frequency in large population cohorts (gnomAD); In silico analysis supports that this missense variant does not alter protein structure/function; Has not been previously published as pathogenic or benign to our knowledge